The following is an entry in ClinVar:

NM_000388.4(CASR):c.1114A>G (p.Thr372Ala)

Gene: CASR (calcium sensing receptor; plus strand). Cytogenetic location: 3q21.1.
Variant type: single nucleotide variant.
Coding change: c.1114A>G on transcript NM_000388.4 (MANE Select); coding-DNA position 1114, A replaced by G.
Protein change: p.Thr372Ala; replaces threonine 372 with alanine.
Molecular consequence: missense variant.
Genome position (GRCh38, 1-based): chr3:122,262,149, A>G. VCF-style: chr3-122262149-A-G. GRCh37 (hg19) VCF-style: chr3-121980996-A-G.
Other names: c.1114A>G (NM_000388.3); c.1114A>G, p.Thr372Ala (NM_001178065.2); short protein forms T372A.
Identifiers: ClinVar variation 2050086 (VCV002050086.6), dbSNP rs571007208, ClinGen allele CA2569595.

ClinVar aggregate classification (germline): Uncertain significance. Review status: criteria provided, multiple submitters, no conflicts (2 of 4 stars). 3 submissions from 3 submitters: Uncertain significance (3). Last evaluated 2025-01-15.

Conditions:
Familial hypocalciuric hypercalcemia (FHH). Also called: Familial benign hypercalcemia. Identifiers: Orphanet 405, MedGen C1809471, MONDO:0018458.
Autosomal dominant hypocalcemia 1 (HYPOC1). Also called: HYPOCALCEMIA, FAMILIAL. Identifiers: MedGen C3715128, MONDO:0011013, OMIM 601198.
Nephrolithiasis/nephrocalcinosis. Identifiers: MedGen CN580796.
Neonatal severe primary hyperparathyroidism. Identifiers: Orphanet 417, MedGen C1832615, MONDO:0009397, OMIM 239200.
Familial hypocalciuric hypercalcemia 1. Also called: Hypercalcemia, familial benign type 1. Identifiers: Orphanet 405, Orphanet 93372, MedGen C0342637, MONDO:0007791, OMIM 145980.
Epilepsy, idiopathic generalized, susceptibility to, 8. Identifiers: MedGen C2752062, MONDO:0013032, OMIM 612899.

Allele frequency attached by ClinVar (database versions not stated): ExAC 0.00001; gnomAD 0.00001; 1000 Genomes Project 30x 0.00016; 1000 Genomes Project 0.00020.
gnomAD v4.1: 9 of 1,614,190 alleles (0.00056%); highest among the groups gnomAD compares: South Asian, 0.0088%; no homozygotes.

Submissions (3):

Labcorp Genetics (formerly Invitae), Labcorp
Classification: Uncertain significance for Familial hypocalciuric hypercalcemia; Autosomal dominant hypocalcemia 1. Last evaluated: 2025-01-15. Review status: criteria provided, single submitter. Criteria: Invitae Variant Classification Sherloc (09022015). Collection method: clinical testing. Allele origin: germline.
Comment: This sequence change replaces threonine, which is neutral and polar, with alanine, which is neutral and non-polar, at codon 372 of the CASR protein (p.Thr372Ala). This variant is present in population databases (rs571007208, gnomAD 0.003%). This variant has not been reported in the literature in individuals affected with CASR-related conditions. ClinVar contains an entry for this variant (Variation ID: 2050086). An algorithm developed to predict the effect of missense changes on protein structure and function (PolyPhen-2) suggests that this variant is likely to be tolerated. In summary, the available evidence is currently insufficient to determine the role of this variant in disease. Therefore, it has been classified as a Variant of Uncertain Significance.

Fulgent Genetics
Classification: Uncertain significance for Familial hypocalciuric hypercalcemia 1; Neonatal severe primary hyperparathyroidism; Autosomal dominant hypocalcemia 1; Epilepsy, idiopathic generalized, susceptibility to, 8. Last evaluated: 2024-05-30. Review status: criteria provided, single submitter. Criteria: ACMG Guidelines, 2015. Collection method: clinical testing. Allele origin: germline.

Ambry Genetics
Classification: Uncertain significance for Nephrolithiasis/nephrocalcinosis. Last evaluated: 2023-08-04. Review status: criteria provided, single submitter. Criteria: Ambry Variant Classification Scheme 2023. Collection method: clinical testing. Allele origin: germline.
Comment: The p.T372A variant (also known as c.1114A>G), located in coding exon 3 of the CASR gene, results from an A to G substitution at nucleotide position 1114. The threonine at codon 372 is replaced by alanine, an amino acid with similar properties. This amino acid position is conserved. In addition, this alteration is predicted to be tolerated by in silico analysis. Since supporting evidence is limited at this time, the clinical significance of this alteration remains unclear.